The following is an entry in ClinVar:

ClinVar aggregate classification (germline): Conflicting classifications of pathogenicity. Review status: criteria provided, conflicting classifications (1 of 4 stars). 6 submissions from 6 submitters: Uncertain significance (3); Benign (1); Likely benign (2). Last evaluated 2026-01-05.

Conditions:
Hereditary cancer-predisposing syndrome. Also called: Tumor predisposition; Hereditary Cancer Syndrome; Hereditary neoplastic syndrome; Neoplastic Syndromes, Hereditary. Identifiers: Orphanet 140162, MedGen C0027672, MeSH D009386, MONDO:0015356.
Tuberous sclerosis syndrome (TSC). Also called: Tuberous Sclerosis Complex; Tuberous sclerosis. Identifiers: Orphanet 805, MedGen C0041341, MONDO:0001734.
Tuberous sclerosis 2 (TSC2). Identifiers: Orphanet 805, MedGen C1860707, MONDO:0013199, OMIM 613254.

Allele frequency attached by ClinVar (database versions not stated): gnomAD exomes below 0.00001 and 0.00001; TOPMed below 0.00001; ExAC 0.00001; gnomAD 0.00001.
gnomAD v4.1: 6 of 1,612,828 alleles (0.00037%); highest among the groups gnomAD compares: African/African-American, 0.0013%; no homozygotes.

Submissions (6):

Labcorp Genetics (formerly Invitae), Labcorp
Classification: Likely benign for Tuberous sclerosis 2. Last evaluated: 2026-01-05. Review status: criteria provided, single submitter. Criteria: Invitae Variant Classification Sherloc (09022015). Collection method: clinical testing. Allele origin: germline.

Color Diagnostics, LLC DBA Color Health
Classification: Uncertain significance for Tuberous sclerosis syndrome. Last evaluated: 2025-07-31. Review status: criteria provided, single submitter. Criteria: ACMG Guidelines, 2015. Collection method: clinical testing. Allele origin: germline.
Comment: This missense variant replaces glutamic acid with lysine at codon 1179 of the TSC2 protein. Computational prediction is inconclusive regarding the impact of this variant on protein structure and function. To our knowledge, functional studies have not been reported for this variant. This variant has not been reported in individuals affected with TSC2-related disorders in the literature. This variant has been identified in 1/250166 chromosomes in the general population by the Genome Aggregation Database (gnomAD). The available evidence is insufficient to determine the role of this variant in disease conclusively. Therefore, this variant is classified as a Variant of Uncertain Significance.

Ambry Genetics
Classification: Benign for Hereditary cancer-predisposing syndrome. Last evaluated: 2025-05-13. Review status: criteria provided, single submitter. Criteria: Ambry Variant Classification Scheme 2023. Collection method: clinical testing. Allele origin: germline.

All of Us Research Program, National Institutes of Health
Classification: Uncertain significance for Tuberous sclerosis syndrome. Last evaluated: 2023-04-27. Review status: criteria provided, single submitter. Criteria: ACMG Guidelines, 2015. Collection method: clinical testing. Allele origin: germline. Inheritance: Autosomal dominant inheritance. Observed: 3 variant alleles, 3 heterozygotes.
Comment: This missense variant replaces glutamic acid with lysine at codon 1179 of the TSC2 protein. Computational prediction is inconclusive regarding the impact of this variant on protein structure and function (internally defined REVEL score threshold 0.5 < inconclusive < 0.7, PMID: 27666373). To our knowledge, functional studies have not been reported for this variant. This variant has not been reported in individuals affected with tuberous sclerosis complex in the literature. This variant has been identified in 1/250166 chromosomes in the general population by the Genome Aggregation Database (gnomAD). The available evidence is insufficient to determine the role of this variant in disease conclusively. Therefore, this variant is classified as a Variant of Uncertain Significance.

This study involves interpretation of variants in research participants for the purpose of population health screening. Participant phenotype was not available at the time of variant classification. Additional details can be found in publication PMID: 35346344, PMCID: PMC8962531

Genome-Nilou Lab
Classification: Likely benign for Tuberous sclerosis 2. Last evaluated: 2021-11-07. Review status: criteria provided, single submitter. Criteria: ACMG Guidelines, 2015. Collection method: clinical testing. Allele origin: germline. Affected: no.

GeneDx
Classification: Uncertain significance. Last evaluated: 2016-12-19. Review status: criteria provided, single submitter. Criteria: GeneDx Variant Classification (06012015). Collection method: clinical testing. Allele origin: germline. Affected: yes.
Comment: A variant of uncertain significance has been identified in the TSC2 gene. The E1179K variant has not been published as a pathogenic variant, nor has it been reported as a benign variant to our knowledge. The E1179K variant is not observed at a significant frequency in large population cohorts (Lek et al., 2016; 1000 Genomes Consortium et al., 2015; Exome Variant Server). The E1179K variant is a non-conservative amino acid substitution, which is likely to impact secondary protein structure as these residues differ in polarity, charge, size and/or other properties. However, this substitution occurs at a position that is not conserved and in silico analysis is inconsistent in its predictions as to whether or not the variant is damaging to the protein structure/function. Additionally, this substitution does not occur within known functional domains of the tuberin protein, where many pathogenic missense variants have been identified (Northrup et al., 2011; Au et al., 2007). Therefore, based on the currently available information, it is unclear whether this variant is a pathogenic variant or a rare benign variant.

NM_000548.5(TSC2):c.3535G>A (p.Glu1179Lys)

Gene: TSC2 (TSC complex subunit 2; plus strand). Cytogenetic location: 16p13.3.
Variant type: single nucleotide variant.
Coding change: c.3535G>A on transcript NM_000548.5 (MANE Select); coding-DNA position 3535, G replaced by A.
Protein change: p.Glu1179Lys; replaces glutamic acid 1179 with lysine.
Molecular consequence: missense variant.
Genome position (GRCh38, 1-based): chr16:2,080,302, G>A. VCF-style: chr16-2080302-G-A. GRCh37 (hg19) VCF-style: chr16-2130303-G-A.
Other names: c.3403G>A, p.Glu1135Lys (NM_001077183.3, NM_001370404.1); c.3535G>A, p.Glu1179Lys (NM_001114382.3); c.3295G>A, p.Glu1099Lys (NM_001318827.2); c.3259G>A, p.Glu1087Lys (NM_001318829.2); c.2803G>A, p.Glu935Lys (NM_001318831.2); c.3436G>A, p.Glu1146Lys (NM_001318832.2); c.3406G>A, p.Glu1136Lys (NM_001363528.2, NM_001370405.1, NM_021055.3); short protein forms E1179K, E1099K, E1135K, E1136K, E1146K, E935K, E1087K.
Identifiers: ClinVar variation 184243 (VCV000184243.23), dbSNP rs45483391, ClinGen allele CA019256.